The following is an entry in ClinVar:

NM_004423.4(DVL3):c.1728_1752del (p.Ser578fs)

Gene: DVL3 (dishevelled segment polarity protein 3; plus strand). Cytogenetic location: 3q27.1.
Variant type: Deletion.
Coding change: c.1728_1752del on transcript NM_004423.4 (MANE Select); coding-DNA positions 1728 to 1752, 25 bases deleted (TGGCTCCAACCGTAGCGGCAGCGAT).
Protein change: p.Ser578fs; shifts the reading frame from serine 578.
Molecular consequence: frameshift variant.
Genome position (GRCh38, 1-based): chr3:184,170,332-184,170,356, TGGCTCCAACCGTAGCGGCAGCGAT deleted. VCF-style (leftmost placement, unchanged base first): chr3-184170331-GTGGCTCCAACCGTAGCGGCAGCGAT-G. GRCh37 (hg19) VCF-style: chr3-183888119-GTGGCTCCAACCGTAGCGGCAGCGAT-G.
Other names: short protein forms S578fs.
Identifiers: ClinVar variation 817756 (VCV000817756.1), dbSNP rs1577052755, ClinGen allele CA915942976.

ClinVar aggregate classification (germline): Pathogenic (1 of 4 stars; one submission).

Submission:

GeneDx
Classification: Pathogenic. Last evaluated: 2018-08-31. Review status: criteria provided, single submitter. Criteria: GeneDx Variant Classification (06012015). Collection method: clinical testing. Allele origin: germline. Affected: yes.
Comment: The c.1728_1752del25 variant in the DVL3 gene has not been reported previously as a pathogenic variant nor as a benign variant, to our knowledge. The c.1728_1752del25 variant causes a frameshift starting with codon Serine 578, changes this amino acid to a Glycine residue, and creates a premature Stop codon at position 82 of the new reading frame, denoted p.Ser578GlyfsX82. This variant is predicted to cause loss of normal protein function through protein truncation, where the last 139 amino acid residues are replaced with 81 incorrect amino acid residues. The c.1728_1752del25 variant is not observed in large population cohorts (Lek et al., 2016). We interpret c.1728_1752del25 as a pathogenic variant.